The following is an entry in ClinVar:

ClinVar aggregate classification (germline): Conflicting classifications of pathogenicity. Review status: criteria provided, conflicting classifications (1 of 4 stars). 2 submissions from 2 submitters: Uncertain significance (1); Likely benign (1). Last evaluated 2023-03-23.

Conditions:
Hereditary breast ovarian cancer syndrome. Also called: Hereditary breast and ovarian cancer syndrome; Hereditary breast and ovarian cancer syndrome (HBOC); Breast and ovarian cancer; Hereditary breast and/or ovarian cancer syndrome; Hereditary breast and ovarian cancer; BRCA1- and BRCA2-Associated Hereditary Breast and Ovarian Cancer. Identifiers: Orphanet 145, MedGen C0677776, MeSH D061325, MONDO:0003582. Disease mechanism: loss of function.
Hereditary cancer-predisposing syndrome. Also called: Neoplastic Syndromes, Hereditary; Tumor predisposition; Hereditary Cancer Syndrome; Hereditary neoplastic syndrome. Identifiers: Orphanet 140162, MedGen C0027672, MeSH D009386, MONDO:0015356.

Submissions (2):

University of Washington Department of Laboratory Medicine, University of Washington
Classification: Likely benign for Hereditary cancer-predisposing syndrome. Last evaluated: 2023-03-23. Review status: criteria provided, single submitter. Criteria: Dines et al. (Genet Med. 2020). Collection method: curation. Allele origin: germline.
Comment: Missense variant in a coldspot region where missense variants are very unlikely to be pathogenic (PMID:31911673).

BRCA1 coldspot (exon 11 using historical exon numbering). Reclassification based on statistical prior probability

Labcorp Genetics (formerly Invitae), Labcorp
Classification: Uncertain significance for Hereditary breast ovarian cancer syndrome. Last evaluated: 2022-08-03. Review status: criteria provided, single submitter. Criteria: Invitae Variant Classification Sherloc (09022015). Collection method: clinical testing. Allele origin: germline.
Comment: In summary, the available evidence is currently insufficient to determine the role of this variant in disease. Therefore, it has been classified as a Variant of Uncertain Significance. Advanced modeling of protein sequence and biophysical properties (such as structural, functional, and spatial information, amino acid conservation, physicochemical variation, residue mobility, and thermodynamic stability) performed at Invitae indicates that this missense variant is not expected to disrupt BRCA1 protein function. This variant has not been reported in the literature in individuals affected with BRCA1-related conditions. This variant is not present in population databases (gnomAD no frequency). This sequence change replaces serine, which is neutral and polar, with arginine, which is basic and polar, at codon 589 of the BRCA1 protein (p.Ser589Arg).

NM_007294.4(BRCA1):c.1767C>G (p.Ser589Arg)

Gene: BRCA1 (BRCA1 DNA repair associated; minus strand). Cytogenetic location: 17q21.31.
Variant type: single nucleotide variant.
Coding change: c.1767C>G on transcript NM_007294.4 (MANE Select); coding-DNA position 1767, C replaced by G.
Protein change: p.Ser589Arg; replaces serine 589 with arginine.
Molecular consequence: missense variant. On other transcripts: intron variant (137).
Genome position (GRCh38, 1-based): chr17:43,093,764, G>C on the plus strand (C>G on the coding strand, the complement: BRCA1 is on the minus strand). VCF-style: chr17-43093764-G-C. GRCh37 (hg19) VCF-style: chr17-41245781-G-C.
Other names: c.661+980C>G (NM_001408448.1, NM_001408445.1, NM_001408432.1 and 6 more transcripts); c.667+2082C>G (NM_001408421.1, NM_001408431.1, NM_001408424.1); c.1623C>G, p.Ser541Arg (NM_001407848.1, NM_001407849.1, NM_001407943.1 and 20 more transcripts); c.784+980C>G (NM_001407991.1, NM_001408407.1, NM_001408402.1 and 13 more transcripts); c.664+980C>G (NM_001408427.1, NM_001408436.1, NM_001408444.1 and 12 more transcripts); c.523+980C>G (NM_001408496.1, NM_001408498.1, NM_001408501.1 and 3 more transcripts); c.646+980C>G (NM_001408460.1, NM_001408454.1, NM_001408458.1 and 11 more transcripts); c.706+980C>G (NM_001408413.1, NM_001408416.1); and 40 more; short protein forms S293R, S421R, S461R, S462R, S477R, S478R, S500R, S501R.
Identifiers: ClinVar variation 1714945 (VCV001714945.8), dbSNP rs587783039, ClinGen allele CA10598491.